The following is an entry in ClinVar:

ClinVar aggregate classification (germline): Uncertain significance (1 of 4 stars; one submission).

Submission:

Labcorp Genetics (formerly Invitae), Labcorp
Classification: Uncertain significance. Last evaluated: 2021-12-24. Review status: criteria provided, single submitter. Criteria: Invitae Variant Classification Sherloc (09022015). Collection method: clinical testing. Allele origin: germline.
Comment: This sequence change replaces leucine, which is neutral and non-polar, with phenylalanine, which is neutral and non-polar, at codon 291 of the MAP3K20 protein (p.Leu291Phe). This variant is not present in population databases (gnomAD no frequency). This variant has not been reported in the literature in individuals affected with MAP3K20-related conditions. Experimental studies and prediction algorithms are not available or were not evaluated, and the functional significance of this variant is currently unknown. In summary, the available evidence is currently insufficient to determine the role of this variant in disease. Therefore, it has been classified as a Variant of Uncertain Significance.

NM_016653.3(MAP3K20):c.871C>T (p.Leu291Phe)

Genes: MAP3K20 (mitogen-activated protein kinase kinase kinase 20; plus strand), MAP3K20-AS1 (MAP3K20 antisense RNA 1; minus strand). Cytogenetic location: 2q31.1.
Variant type: single nucleotide variant.
Coding change: c.871C>T on transcript NM_016653.3 (MANE Select); coding-DNA position 871, C replaced by T.
Protein change: p.Leu291Phe; replaces leucine 291 with phenylalanine.
Molecular consequence: missense variant.
Genome position (GRCh38, 1-based): chr2:173,217,134, C>T. VCF-style: chr2-173217134-C-T. GRCh37 (hg19) VCF-style: chr2-174081862-C-T.
Other names: c.871C>T, p.Leu291Phe (NM_133646.3); short protein forms L291F.
Identifiers: ClinVar variation 1437944 (VCV001437944.6), dbSNP rs1201257675, ClinGen allele CA349314096.